The following is an entry in ClinVar:

NM_001875.5(CPS1):c.3336G>A (p.Leu1112=)

Gene: CPS1 (carbamoyl-phosphate synthase 1; plus strand). Cytogenetic location: 2q34.
Variant type: single nucleotide variant.
Coding change: c.3336G>A on transcript NM_001875.5 (MANE Select); coding-DNA position 3336, G replaced by A.
Protein change: p.Leu1112=; no amino-acid change (leucine 1112 retained).
Molecular consequence: synonymous variant. On other transcripts: non-coding transcript variant (2).
Genome position (GRCh38, 1-based): chr2:210,648,057, G>A. VCF-style: chr2-210648057-G-A. GRCh37 (hg19) VCF-style: chr2-211512781-G-A.
Other names: c.3336G>A, p.Leu1112= (NM_001122633.3, NM_001369257.1); c.3369G>A, p.Leu1123= (NM_001369256.1).
Identifiers: ClinVar variation 1392970 (VCV001392970.6), dbSNP rs772400341, ClinGen allele CA2086885.

ClinVar aggregate classification (germline): Uncertain significance (1 of 4 stars; one submission).

Conditions:
Congenital hyperammonemia, type I. Also called: CPS I DEFICIENCY; Carbamoyl-phosphate synthase I deficiency; Carbamyl phosphate synthetase (CPS) deficiency; Carbamoyl phosphate synthetase I deficiency disease; Carbamoyl phosphate synthetase 1 deficiency; Hyperammonemia due to carbamoyl phosphate synthetase 1 deficiency. Identifiers: Orphanet 147, MedGen C4082171, MONDO:0009376, OMIM 237300.

Allele frequency attached by ClinVar (database versions not stated): gnomAD exomes below 0.00001; ExAC 0.00001.
gnomAD v4.1: 1 of 1,613,628 alleles (0.000062%); highest among the groups gnomAD compares: Non-Finnish European, 0.000085%; no homozygotes.

Submission:

Labcorp Genetics (formerly Invitae), Labcorp
Classification: Uncertain significance for Congenital hyperammonemia, type I. Last evaluated: 2022-11-15. Review status: criteria provided, single submitter. Criteria: Invitae Variant Classification Sherloc (09022015). Collection method: clinical testing. Allele origin: germline.
Comment: In summary, the available evidence is currently insufficient to determine the role of this variant in disease. Therefore, it has been classified as a Variant of Uncertain Significance. Variants that disrupt the consensus splice site are a relatively common cause of aberrant splicing (PMID: 17576681, 9536098). Algorithms developed to predict the effect of sequence changes on RNA splicing suggest that this variant may create or strengthen a splice site. ClinVar contains an entry for this variant (Variation ID: 1392970). This variant has not been reported in the literature in individuals affected with CPS1-related conditions. This variant is present in population databases (rs772400341, gnomAD 0.0009%). This sequence change affects codon 1112 of the CPS1 mRNA. It is a 'silent' change, meaning that it does not change the encoded amino acid sequence of the CPS1 protein. This variant also falls at the last nucleotide of exon 26, which is part of the consensus splice site for this exon.

Literature cited by the submitters: PubMed 17576681; PubMed 9536098.